The following is an entry in ClinVar:

NM_005035.4(POLRMT):c.933G>C (p.Gln311His)

Gene: POLRMT (RNA polymerase mitochondrial; minus strand). Cytogenetic location: 19p13.3.
Variant type: single nucleotide variant.
Coding change: c.933G>C on transcript NM_005035.4 (MANE Select); coding-DNA position 933, G replaced by C.
Protein change: p.Gln311His; replaces glutamine 311 with histidine.
Molecular consequence: missense variant. On other transcripts: non-coding transcript variant (1).
Genome position (GRCh38, 1-based): chr19:625,144, C>G on the plus strand (G>C on the coding strand, the complement: POLRMT is on the minus strand). VCF-style: chr19-625144-C-G. GRCh37 (hg19) VCF-style: chr19-625144-C-G.
Other names: c.933G>C, p.Gln311His (NM_001407805.1, NM_001407806.1, NM_001407807.1 and 10 more transcripts); c.891G>C, p.Gln297His (NM_001407811.1, NM_001407813.1); c.609G>C, p.Gln203His (NM_001407831.1, NM_001407833.1, NM_001407834.1 and 2 more transcripts); c.933G>C (NM_005035.3); short protein forms Q203H, Q297H, Q311H.
Identifiers: ClinVar variation 2648861 (VCV002648861.26), dbSNP rs547581028, ClinGen allele CA9020560.

ClinVar aggregate classification (germline): Uncertain significance. Review status: criteria provided, multiple submitters, no conflicts (2 of 4 stars). 3 submissions from 3 submitters: Uncertain significance (3). Last evaluated 2026-08-06.

Conditions:
Combined oxidative phosphorylation deficiency 55 (COXPD55). Identifiers: MedGen C5676915, MONDO:0859228, OMIM 619743.

Allele frequency attached by ClinVar (database versions not stated): 1000 Genomes Project 30x 0.00016.

Submissions (3):

OLLIN Analises Genomicas, OLLIN
Classification: Uncertain significance for Combined oxidative phosphorylation deficiency 55. Last evaluated: 2026-08-06. Review status: criteria provided, single submitter. Criteria: ACMG Guidelines 2015 PMID 25741868. Collection method: clinical testing. Allele origin: germline. Inheritance: Autosomal dominant inheritance.
Comment: This missense variant, located in exon 4 (of 21), has been reported in ClinVar (accession VCV002648861.24) and in gnomAD with an allele frequency of 0.0071%. However, to our knowledge, it has not been reported in the scientific literature. In silico analysis predicts that this variant has a tolerated effect. According to the currently available evidence, this variant has been classified as uncertain significance (PM2_P, BP4_M).

Ambry Genetics
Classification: Uncertain significance. Last evaluated: 2025-03-08. Review status: criteria provided, single submitter. Criteria: Ambry Variant Classification Scheme 2023. Collection method: clinical testing. Allele origin: germline.

CeGaT Center for Human Genetics Tuebingen
Classification: Uncertain significance. Last evaluated: 2023-10-01. Review status: criteria provided, single submitter. Criteria: CeGaT Center For Human Genetics Tuebingen Variant Classification Criteria Version 2. Collection method: clinical testing. Allele origin: germline. Affected: yes. Observed: 1 variant allele.
Comment: POLRMT: PM2:Supporting, BP4